The following is an entry in ClinVar:

NM_018444.4(PDP1):c.202G>A (p.Gly68Arg)

Gene: PDP1 (pyruvate dehydrogenase phosphatase catalytic subunit 1; plus strand). Cytogenetic location: 8q22.1.
Variant type: single nucleotide variant.
Coding change: c.202G>A on transcript NM_018444.4 (MANE Select); coding-DNA position 202, G replaced by A.
Protein change: p.Gly68Arg; replaces glycine 68 with arginine.
Molecular consequence: missense variant.
Genome position (GRCh38, 1-based): chr8:93,922,261, G>A. VCF-style: chr8-93922261-G-A. GRCh37 (hg19) VCF-style: chr8-94934489-G-A.
Other names: c.277G>A, p.Gly93Arg (NM_001161779.2, NM_001161780.2); c.202G>A, p.Gly68Arg (NM_001161781.2); short protein forms G93R, G68R.
Identifiers: ClinVar variation 1525448 (VCV001525448.6), dbSNP rs374758737, ClinGen allele CA4808667.

ClinVar aggregate classification (germline): Uncertain significance. Review status: criteria provided, multiple submitters, no conflicts (2 of 4 stars). 2 submissions from 2 submitters: Uncertain significance (2). Last evaluated 2022-11-08.

Conditions:
Pyruvate dehydrogenase phosphatase deficiency (PDHPD). Also called: LACTIC ACIDEMIA WITH PYRUVATE DEHYDROGENASE PHOSPHATASE DEFICIENCY. Identifiers: Orphanet 79246, MedGen C1837429, MONDO:0012120, OMIM 608782.

Allele frequency attached by ClinVar (database versions not stated): ExAC 0.00004; gnomAD 0.00004 and 0.00005; gnomAD exomes 0.00006; TOPMed 0.00006; ESP Exome Variant Server 0.00008.
gnomAD v4.1: 96 of 1,614,056 alleles (0.0059%); highest among the groups gnomAD compares: Admixed American, 0.02%; no homozygotes.

Submissions (2):

Labcorp Genetics (formerly Invitae), Labcorp
Classification: Uncertain significance. Last evaluated: 2022-11-08. Review status: criteria provided, single submitter. Criteria: Invitae Variant Classification Sherloc (09022015). Collection method: clinical testing. Allele origin: germline.
Comment: In summary, the available evidence is currently insufficient to determine the role of this variant in disease. Therefore, it has been classified as a Variant of Uncertain Significance. Algorithms developed to predict the effect of missense changes on protein structure and function (SIFT, PolyPhen-2, Align-GVGD) all suggest that this variant is likely to be tolerated. ClinVar contains an entry for this variant (Variation ID: 1525448). This variant has not been reported in the literature in individuals affected with PDP1-related conditions. This variant is present in population databases (rs374758737, gnomAD 0.02%). This sequence change replaces glycine, which is neutral and non-polar, with arginine, which is basic and polar, at codon 68 of the PDP1 protein (p.Gly68Arg).

Baylor Genetics
Classification: Uncertain significance for Pyruvate dehydrogenase phosphatase deficiency. Last evaluated: 2022-06-30. Review status: criteria provided, single submitter. Criteria: ACMG Guidelines, 2015. Collection method: clinical testing. Allele origin: unknown.